The following is an entry in ClinVar:

ClinVar aggregate classification (germline): Conflicting classifications of pathogenicity. Review status: criteria provided, conflicting classifications (1 of 4 stars). 5 submissions from 5 submitters: Uncertain significance (1); Benign (1); Likely benign (2). 1 of the submissions does not count toward it. Last evaluated 2024-11-19.

Conditions:
TCOF1-related disorder. Also called: TCOF1-related condition.
Treacher Collins syndrome 1 (TCS1). Also called: TCOF1-Related Treacher Collins Syndrome. Identifiers: Orphanet 861, MedGen CN315775, MONDO:0007944, OMIM 154500.

Submissions (5):

Blueprint Genetics
Classification: Likely benign. Last evaluated: 2024-11-19. Review status: criteria provided, single submitter. Criteria: ACMG Guidelines, 2015. Collection method: clinical testing. Allele origin: germline.

Labcorp Genetics (formerly Invitae), Labcorp
Classification: Likely benign for Treacher Collins syndrome 1. Last evaluated: 2024-10-24. Review status: criteria provided, single submitter. Criteria: Invitae Variant Classification Sherloc (09022015). Collection method: clinical testing. Allele origin: germline.

GeneDx
Classification: Uncertain significance. Last evaluated: 2021-03-14. Review status: criteria provided, single submitter. Criteria: GeneDx Variant Classification Process June 2021. Collection method: clinical testing. Allele origin: germline. Affected: yes.
Comment: Identified in a patient reported to have clinical features of Treacher Collins syndrome (Ellis et al., 2002); however, patient-specific information not provided; In silico analysis supports a deleterious effect on protein structure/function; This variant is associated with the following publications: (PMID: 12444270)

Mendelics
Classification: Benign for Treacher Collins syndrome 1. Last evaluated: 2019-05-28. Review status: criteria provided, single submitter. Criteria: Mendelics Assertion Criteria 2017. Collection method: clinical testing. Allele origin: unknown.

PreventionGenetics, part of Exact Sciences
Classification: Likely benign for TCOF1-related condition. Last evaluated: 2019-04-29. Review status: no assertion criteria provided. Collection method: clinical testing. Allele origin: germline. Not counted in ClinVar's aggregate classification.
Comment: This variant is classified as likely benign based on ACMG/AMP sequence variant interpretation guidelines (Richards et al. 2015 PMID: 25741868, with internal and published modifications).

NM_001371623.1(TCOF1):c.4087AAG[4] (p.Lys1367del)

Gene: TCOF1 (treacle ribosome biogenesis factor 1; plus strand). Cytogenetic location: 5q32.
Variant type: Microsatellite.
Coding change: c.4087AAG[4] on transcript NM_001371623.1 (MANE Select); four copies in a row of the 3-base unit AAG starting at c.4087; the reference has five copies in a row; one copy, 3 bases deleted.
Protein change: p.Lys1367del; deletes lysine 1367.
Molecular consequence: inframe deletion.
Genome position (GRCh38, 1-based): chr5:150,396,596-150,396,598, AAG deleted; deleting any 3 consecutive bases within chr5:150,396,584-150,396,598 gives the same sequence; the position shown is the placement nearest the transcript's 3' end. VCF-style (leftmost placement, unchanged base first): chr5-150396583-CAAG-C. GRCh37 (hg19) VCF-style: chr5-149776146-CAAG-C.
Other names: c.3853AAG[4], p.Lys1289del (NM_000356.4); c.4084AAG[4], p.Lys1366del (NM_001135243.2); c.3973AAG[4], p.Lys1329del (NM_001135244.2); c.3856AAG[4], p.Lys1290del (NM_001135245.2); c.3970AAG[4], p.Lys1328del (NM_001195141.2); c.4096_4098delAAG (NM_001135243.1); short protein forms K1290del, K1328del, K1329del, K1367del, K1366del, K1289del.
Identifiers: ClinVar variation 802170 (VCV000802170.10), dbSNP rs773205979, ClinGen allele CA3511662.
Genomic context (GRCh38, chr5:150,396,583, plus strand): 5'-CTGGGAGAGCCGCAAGCGGAAGCTATCGGGAGACCAGCCAGCTGCCAGGACCCCCAGGAG[CAAG>C]AAGAAGAAGAAGCTGGGGGCCGGGGAAGGTGGGGAGGCCTCTGTTTCCCCAGAAAAGACC-3'